The following is an entry in ClinVar:

ClinVar aggregate classification (germline): Uncertain significance (1 of 4 stars; one submission).

Conditions:
Acute myeloid leukemia (AML). Also called: Leukemia, acute myeloid, somatic; Leukemia, acute myelogenous, somatic; Acute myeloid leukemia, adult; AML adult; Acute non-lymphocytic leukemia; Acute granulocytic leukemia. Identifiers: Orphanet 519, MedGen C0023467, MeSH D015470, MONDO:0018874, OMIM 601626, HP:0004808. Disease mechanism: Constitutively activated FLT3.

Submission:

Labcorp Genetics (formerly Invitae), Labcorp
Classification: Uncertain significance for Acute myeloid leukemia. Last evaluated: 2024-05-13. Review status: criteria provided, single submitter. Criteria: Invitae Variant Classification Sherloc (09022015). Collection method: clinical testing. Allele origin: germline.
Comment: This sequence change replaces proline, which is neutral and non-polar, with serine, which is neutral and polar, at codon 11 of the CEBPA protein (p.Pro11Ser). This variant is not present in population databases (gnomAD no frequency). This variant has not been reported in the literature in individuals affected with CEBPA-related conditions. ClinVar contains an entry for this variant (Variation ID: 526803). Algorithms developed to predict the effect of missense changes on protein structure and function output the following: SIFT: "Not Available"; PolyPhen-2: "Benign"; Align-GVGD: "Not Available". The serine amino acid residue is found in multiple mammalian species, which suggests that this missense change does not adversely affect protein function. In summary, the available evidence is currently insufficient to determine the role of this variant in disease. Therefore, it has been classified as a Variant of Uncertain Significance.

NM_004364.5(CEBPA):c.31C>T (p.Pro11Ser)

Genes: CEBPA (CCAAT enhancer binding protein alpha; minus strand), LOC130064183 (ATAC-STARR-seq lymphoblastoid silent region 10495; plus strand). Cytogenetic location: 19q13.11.
Variant type: single nucleotide variant.
Coding change: c.31C>T on transcript NM_004364.5 (MANE Select); coding-DNA position 31, C replaced by T.
Protein change: p.Pro11Ser; replaces proline 11 with serine.
Molecular consequence: missense variant. On other transcripts: 5 prime UTR variant (2).
Genome position (GRCh38, 1-based): chr19:33,302,384, G>A on the plus strand (C>T on the coding strand, the complement: CEBPA is on the minus strand). VCF-style: chr19-33302384-G-A. GRCh37 (hg19) VCF-style: chr19-33793290-G-A.
Other names: c.-327C>T (NM_001285829.2); c.136C>T, p.Pro46Ser (NM_001287424.2); c.-12C>T (NM_001287435.2); short protein forms P11S, P46S.
Identifiers: ClinVar variation 526803 (VCV000526803.11), dbSNP rs1555742325, ClinGen allele CA405275823.